The following is an entry in ClinVar:

NM_000059.4(BRCA2):c.6438T>G (p.Asn2146Lys)

Gene: BRCA2 (BRCA2 DNA repair associated; plus strand). Cytogenetic location: 13q13.1.
Variant type: single nucleotide variant.
Coding change: c.6438T>G on transcript NM_000059.4 (MANE Select); coding-DNA position 6438, T replaced by G.
Protein change: p.Asn2146Lys; replaces asparagine 2146 with lysine.
Molecular consequence: missense variant.
Genome position (GRCh38, 1-based): chr13:32,340,793, T>G. VCF-style: chr13-32340793-T-G. GRCh37 (hg19) VCF-style: chr13-32914930-T-G.
Other names: short protein forms N2146K.
Identifiers: ClinVar variation 489770 (VCV000489770.9), dbSNP rs1555284698, ClinGen allele CA387789306.

ClinVar aggregate classification (germline): Conflicting classifications of pathogenicity. Review status: criteria provided, conflicting classifications (1 of 4 stars). 3 submissions from 3 submitters: Uncertain significance (2); Likely benign (1). Last evaluated 2025-04-18.

Conditions:
Hereditary breast ovarian cancer syndrome. Also called: Breast and ovarian cancer; Hereditary breast and/or ovarian cancer syndrome; Hereditary breast and ovarian cancer; Hereditary breast and ovarian cancer syndrome (HBOC); BRCA1- and BRCA2-Associated Hereditary Breast and Ovarian Cancer; Hereditary breast and ovarian cancer syndrome. Identifiers: Orphanet 145, MedGen C0677776, MeSH D061325, MONDO:0003582. Disease mechanism: loss of function.
Hereditary cancer-predisposing syndrome. Also called: Hereditary Cancer Syndrome; Neoplastic Syndromes, Hereditary; Tumor predisposition; Hereditary neoplastic syndrome. Identifiers: Orphanet 140162, MedGen C0027672, MeSH D009386, MONDO:0015356.

Submissions (3):

Labcorp Genetics (formerly Invitae), Labcorp
Classification: Uncertain significance for Hereditary breast ovarian cancer syndrome. Last evaluated: 2025-04-18. Review status: criteria provided, single submitter. Criteria: Invitae Variant Classification Sherloc (09022015). Collection method: clinical testing. Allele origin: germline.
Comment: This sequence change replaces asparagine, which is neutral and polar, with lysine, which is basic and polar, at codon 2146 of the BRCA2 protein (p.Asn2146Lys). This variant is not present in population databases (gnomAD no frequency). This variant has not been reported in the literature in individuals affected with BRCA2-related conditions. ClinVar contains an entry for this variant (Variation ID: 489770). Invitae Evidence Modeling of protein sequence and biophysical properties (such as structural, functional, and spatial information, amino acid conservation, physicochemical variation, residue mobility, and thermodynamic stability) indicates that this missense variant is not expected to disrupt BRCA2 protein function with a negative predictive value of 95%. In summary, the available evidence is currently insufficient to determine the role of this variant in disease. Therefore, it has been classified as a Variant of Uncertain Significance.

Color Diagnostics, LLC DBA Color Health
Classification: Uncertain significance for Hereditary cancer-predisposing syndrome. Last evaluated: 2023-12-05. Review status: criteria provided, single submitter. Criteria: ACMG Guidelines, 2015. Collection method: clinical testing. Allele origin: germline.
Comment: This missense variant replaces asparagine with lysine at codon 2146 of the BRCA2 protein. Computational prediction suggests that this variant may not impact protein structure and function (internally defined REVEL score threshold <= 0.5, PMID: 27666373). To our knowledge, functional studies have not been reported for this variant. This variant has not been reported in individuals affected with BRCA2-related disorders in the literature. This variant has not been identified in the general population by the Genome Aggregation Database (gnomAD). The available evidence is insufficient to determine the role of this variant in disease conclusively. Therefore, this variant is classified as a Variant of Uncertain Significance.

University of Washington Department of Laboratory Medicine, University of Washington
Classification: Likely benign for Hereditary cancer-predisposing syndrome. Last evaluated: 2023-03-23. Review status: criteria provided, single submitter. Criteria: Dines et al. (Genet Med. 2020). Collection method: curation. Allele origin: germline.
Comment: Missense variant in a coldspot region where missense variants are very unlikely to be pathogenic (PMID:31911673).

BRCA2 exon 11 coldspot. Reclassification based on statistical prior probability.